The following is an entry in ClinVar:

NM_203447.4(DOCK8):c.5683T>C (p.Tyr1895His)

Gene: DOCK8 (dedicator of cytokinesis 8; plus strand). Cytogenetic location: 9p24.3.
Variant type: single nucleotide variant.
Coding change: c.5683T>C on transcript NM_203447.4 (MANE Select); coding-DNA position 5683, T replaced by C.
Protein change: p.Tyr1895His; replaces tyrosine 1895 with histidine.
Molecular consequence: missense variant.
Genome position (GRCh38, 1-based): chr9:446,472, T>C. VCF-style: chr9-446472-T-C. GRCh37 (hg19) VCF-style: chr9-446472-T-C.
Other names: c.5383T>C, p.Tyr1795His (NM_001190458.2); c.5479T>C, p.Tyr1827His (NM_001193536.2); short protein forms Y1795H, Y1895H, Y1827H.
Identifiers: ClinVar variation 4746472 (VCV004746472.1).
Genomic context (GRCh38, chr9:446,472, plus strand): 5'-TATGAGATGAAAGACAGGGTCACATACTTTGAGAAGAATTTCAACCTCCGGAGGTTCATG[T>C]ACACCACCCCGTTCACCCTGGAGGGGCGGCCTCGGGGAGAGCTGCATGAGCAGTACAGAA-3'
Protein context (NP_982272.2, residues 1885-1905): EKNFNLRRFM[Tyr1895His]TTPFTLEGRP

ClinVar aggregate classification (germline): Uncertain significance (1 of 4 stars; one submission).

Conditions:
Combined immunodeficiency due to DOCK8 deficiency (HIES2). Also called: HIES autosomal recessive; DOCK8 Deficiency; HYPER-IgE SYNDROME 2, AUTOSOMAL RECESSIVE, WITH RECURRENT INFECTIONS; Hyper-IgE recurrent infection syndrome, autosomal recessive; HYPER-IgE RECURRENT INFECTION SYNDROME 2, AUTOSOMAL RECESSIVE. Identifiers: Orphanet 217390, MedGen C4722305, MONDO:0009478, OMIM 243700.

Submission:

Labcorp Genetics (formerly Invitae), Labcorp
Classification: Uncertain significance for Combined immunodeficiency due to DOCK8 deficiency. Last evaluated: 2025-05-07. Review status: criteria provided, single submitter. Criteria: Invitae Variant Classification Sherloc (09022015). Collection method: clinical testing. Allele origin: germline.
Comment: This sequence change replaces tyrosine, which is neutral and polar, with histidine, which is basic and polar, at codon 1895 of the DOCK8 protein (p.Tyr1895His). This variant is not present in population databases (gnomAD no frequency). This variant has not been reported in the literature in individuals affected with DOCK8-related conditions. Invitae Evidence Modeling of protein sequence and biophysical properties (such as structural, functional, and spatial information, amino acid conservation, physicochemical variation, residue mobility, and thermodynamic stability) indicates that this missense variant is expected to disrupt DOCK8 protein function with a positive predictive value of 80%. In summary, the available evidence is currently insufficient to determine the role of this variant in disease. Therefore, it has been classified as a Variant of Uncertain Significance.